The following is an entry in ClinVar:

NM_006579.3(EBP):c.588G>A (p.Trp196Ter)

Gene: EBP (EBP cholestenol delta-isomerase; plus strand). Cytogenetic location: Xp11.23.
Variant type: single nucleotide variant.
Coding change: c.588G>A on transcript NM_006579.3 (MANE Select); coding-DNA position 588, G replaced by A.
Protein change: p.Trp196Ter; replaces tryptophan 196 with a stop codon.
Molecular consequence: nonsense.
Genome position (GRCh38, 1-based): chrX:48,528,352, G>A. VCF-style: chrX-48528352-G-A. GRCh37 (hg19) VCF-style: chrX-48386740-G-A.
Other names: short protein forms W196*.
Identifiers: ClinVar variation 2770855 (VCV002770855.3), dbSNP rs2147157078, ClinGen allele CA412853153.

ClinVar aggregate classification (germline): Pathogenic (1 of 4 stars; one submission).

Submission:

Labcorp Genetics (formerly Invitae), Labcorp
Classification: Pathogenic. Last evaluated: 2023-11-07. Review status: criteria provided, single submitter. Criteria: Invitae Variant Classification Sherloc (09022015). Collection method: clinical testing. Allele origin: germline.
Comment: This sequence change creates a premature translational stop signal (p.Trp196*) in the EBP gene. While this is not anticipated to result in nonsense mediated decay, it is expected to disrupt the last 35 amino acid(s) of the EBP protein. This variant is not present in population databases (gnomAD no frequency). This premature translational stop signal has been observed in individual(s) with Chondrodysplasia punctata, X-linked (PMID: 10942423, 11038443; Invitae). For these reasons, this variant has been classified as Pathogenic.

Literature cited by the submitters: PubMed 10942423; PubMed 11038443.